The following is an entry in ClinVar:

NM_021072.4(HCN1):c.1375G>C (p.Glu459Gln)

Gene: HCN1 (hyperpolarization activated cyclic nucleotide gated potassium channel 1; minus strand). Cytogenetic location: 5p12.
Variant type: single nucleotide variant.
Coding change: c.1375G>C on transcript NM_021072.4 (MANE Select); coding-DNA position 1375, G replaced by C.
Protein change: p.Glu459Gln; replaces glutamic acid 459 with glutamine.
Molecular consequence: missense variant.
Genome position (GRCh38, 1-based): chr5:45,353,102, C>G on the plus strand (G>C on the coding strand, the complement: HCN1 is on the minus strand). VCF-style: chr5-45353102-C-G. GRCh37 (hg19) VCF-style: chr5-45353204-C-G.
Other names: short protein forms E459Q.
Identifiers: ClinVar variation 860698 (VCV000860698.10), dbSNP rs1375816918, ClinGen allele CA359701954.

ClinVar aggregate classification (germline): Uncertain significance (1 of 4 stars; one submission).

Conditions:
Early-infantile DEE. Also called: Early infantile epileptic encephalopathy; Early infantile epileptic encephalopathy with suppression bursts; Ohtahara syndrome. Identifiers: Orphanet 1934, MedGen C0393706, MONDO:0800491.

Allele frequency attached by ClinVar (database versions not stated): gnomAD exomes below 0.00001 and 0.00001.
gnomAD v4.1: 11 of 1,609,700 alleles (0.00068%); highest among the groups gnomAD compares: Non-Finnish European, 0.00085%; no homozygotes.

Submission:

Labcorp Genetics (formerly Invitae), Labcorp
Classification: Uncertain significance for Early-infantile DEE. Last evaluated: 2024-07-30. Review status: criteria provided, single submitter. Criteria: Invitae Variant Classification Sherloc (09022015). Collection method: clinical testing. Allele origin: germline.
Comment: This sequence change replaces glutamic acid, which is acidic and polar, with glutamine, which is neutral and polar, at codon 459 of the HCN1 protein (p.Glu459Gln). This variant is present in population databases (no rsID available, gnomAD 0.0009%). This missense change has been observed in individual(s) with clinical features of HCN1-related conditions (Invitae). ClinVar contains an entry for this variant (Variation ID: 860698). An algorithm developed to predict the effect of missense changes on protein structure and function (PolyPhen-2) suggests that this variant is likely to be tolerated. In summary, the available evidence is currently insufficient to determine the role of this variant in disease. Therefore, it has been classified as a Variant of Uncertain Significance.